The following is an entry in ClinVar:

NM_001844.5(COL2A1):c.2718del (p.Pro908fs)

Gene: COL2A1 (collagen type II alpha 1 chain; minus strand). Cytogenetic location: 12q13.11.
Variant type: Deletion.
Coding change: c.2718del on transcript NM_001844.5 (MANE Select); coding-DNA position 2718, one base deleted (A; older notation c.2718delA).
Protein change: p.Pro908fs; shifts the reading frame from proline 908.
Molecular consequence: frameshift variant.
Genome position (GRCh38, 1-based): chr12:47,979,526, T deleted on the plus strand (A on the coding strand, the reverse complement: COL2A1 is on the minus strand). VCF-style (leftmost placement, unchanged base first): chr12-47979525-GT-G. GRCh37 (hg19) VCF-style: chr12-48373308-GT-G.
Other names: c.2511del, p.Pro839fs (NM_033150.3); short protein forms P839fs, P908fs.
Identifiers: ClinVar variation 2026582 (VCV002026582.5), dbSNP rs2540116695, ClinGen allele CA2580085544.
Genomic context (GRCh38, chr12:47,979,525, plus strand): 5'-CTATTCCATGCCTGCCTGTGCCTCTCATGCCAGGAGCATCACTTACATTGGAGCCTGGGG[GT>G]CCAACGCGGCCAGCAGCTCCAGGGAATCCAGTGGCTCCCTGTGTGGGGAGAGGAGAGCCC-3'

ClinVar aggregate classification (germline): Pathogenic/Likely pathogenic. Review status: criteria provided, multiple submitters, no conflicts (2 of 4 stars). 2 submissions from 2 submitters: Pathogenic (1); Likely pathogenic (1). Last evaluated 2022-09-21.

Conditions:
COL2A1-related disorder. Also called: COL2A1-related condition; COL2A1-related disorders.

Submissions (2):

Labcorp Genetics (formerly Invitae), Labcorp
Classification: Pathogenic. Last evaluated: 2022-09-21. Review status: criteria provided, single submitter. Criteria: Invitae Variant Classification Sherloc (09022015). Collection method: clinical testing. Allele origin: germline.
Comment: For these reasons, this variant has been classified as Pathogenic. This variant has not been reported in the literature in individuals affected with COL2A1-related conditions. This variant is not present in population databases (gnomAD no frequency). This sequence change creates a premature translational stop signal (p.Pro908Glnfs*120) in the COL2A1 gene. It is expected to result in an absent or disrupted protein product. Loss-of-function variants in COL2A1 are known to be pathogenic (PMID: 20179744).

Blueprint Genetics
Classification: Likely pathogenic for COL2A1-related disorders. Last evaluated: 2021-04-16. Review status: criteria provided, single submitter. Criteria: ACMG Guidelines, 2015. Collection method: clinical testing. Allele origin: germline. Affected: yes. Observed: 1 variant allele.

Literature cited by the submitters: PubMed 20179744 (cited by Labcorp Genetics (formerly Invitae), Labcorp).